The following is an entry in ClinVar:

ClinVar aggregate classification (germline): Uncertain significance (1 of 4 stars; one submission).

Conditions:
2-aminoadipic 2-oxoadipic aciduria (AAKAD). Also called: ALPHA-AMINOADIPIC AND ALPHA-KETOADIPIC ACIDURIA; Aminoadipic aciduria. Identifiers: Orphanet 79154, MedGen C1859817, MONDO:0008774, OMIM 204750.

Allele frequency attached by ClinVar (database versions not stated): gnomAD exomes below 0.00001.
gnomAD v4.1: 1 of 1,613,812 alleles (0.000062%); highest among the groups gnomAD compares: Non-Finnish European, 0.000085%; no homozygotes.

Submission:

Labcorp Genetics (formerly Invitae), Labcorp
Classification: Uncertain significance for 2-aminoadipic 2-oxoadipic aciduria. Last evaluated: 2023-02-01. Review status: criteria provided, single submitter. Criteria: Invitae Variant Classification Sherloc (09022015). Collection method: clinical testing. Allele origin: germline.
Comment: This sequence change replaces threonine, which is neutral and polar, with isoleucine, which is neutral and non-polar, at codon 134 of the DHTKD1 protein (p.Thr134Ile). This variant is not present in population databases (gnomAD no frequency). This variant has not been reported in the literature in individuals affected with DHTKD1-related conditions. Advanced modeling of protein sequence and biophysical properties (such as structural, functional, and spatial information, amino acid conservation, physicochemical variation, residue mobility, and thermodynamic stability) performed at Invitae indicates that this missense variant is not expected to disrupt DHTKD1 protein function. In summary, the available evidence is currently insufficient to determine the role of this variant in disease. Therefore, it has been classified as a Variant of Uncertain Significance.

NM_018706.7(DHTKD1):c.401C>T (p.Thr134Ile)

Gene: DHTKD1 (dehydrogenase E1 and transketolase domain containing 1; plus strand). Cytogenetic location: 10p14.
Variant type: single nucleotide variant.
Coding change: c.401C>T on transcript NM_018706.7 (MANE Select); coding-DNA position 401, C replaced by T.
Protein change: p.Thr134Ile; replaces threonine 134 with isoleucine.
Molecular consequence: missense variant.
Genome position (GRCh38, 1-based): chr10:12,084,630, C>T. VCF-style: chr10-12084630-C-T. GRCh37 (hg19) VCF-style: chr10-12126629-C-T.
Other names: short protein forms T134I.
Identifiers: ClinVar variation 2833538 (VCV002833538.3), dbSNP rs185240347, ClinGen allele CA202580719.
Genomic context (GRCh38, chr10:12,084,630, plus strand): 5'-CACTTGAGGAAGTGTTAGTCTATCTCAATCAAATCTACTGTGGGCAGATTTCTATTGAAA[C>T]CTCCCAACTTCAGAGCCAGGATGAGAAAGACTGGTTTGCCAAGCGGTTTGAGGAACTGCA-3'
Protein context (NP_061176.4, residues 124-144): QIYCGQISIE[Thr134Ile]SQLQSQDEKD